The following is an entry in ClinVar:

NM_001384732.1(CPLANE1):c.3908T>C (p.Val1303Ala)

Gene: CPLANE1 (ciliogenesis and planar polarity effector complex subunit 1; minus strand). Cytogenetic location: 5p13.2.
Variant type: single nucleotide variant.
Coding change: c.3908T>C on transcript NM_001384732.1 (MANE Select); coding-DNA position 3908, T replaced by C.
Protein change: p.Val1303Ala; replaces valine 1303 with alanine.
Molecular consequence: missense variant.
Genome position (GRCh38, 1-based): chr5:37,187,746, A>G on the plus strand (T>C on the coding strand, the complement: CPLANE1 is on the minus strand). VCF-style: chr5-37187746-A-G. GRCh37 (hg19) VCF-style: chr5-37187848-A-G.
Other names: c.3908T>C, p.Val1303Ala (NM_023073.4); short protein forms V1303A.
Identifiers: ClinVar variation 2691599 (VCV002691599.1), dbSNP rs1333838533, ClinGen allele CA359507081.
Genomic context (GRCh38, chr5:37,187,746, plus strand): 5'-CCCACTTAACGTGTGTTCATTTTTCTTATTTTTGCCCTGGTAAATACCTTTTCTCCTTTT[A>G]CATTTTCTCTTGCTTTCTGATATTGCCTGCAACTATAGGATAACTTATCACGGACATGCA-3'
Protein context (NP_001371661.1, residues 1293-1313): CRQYQKAREN[Val1303Ala]KGEKDLEVEF

ClinVar aggregate classification (germline): Uncertain significance (1 of 4 stars; one submission).

Allele frequency attached by ClinVar (database versions not stated): gnomAD exomes below 0.00001.

Submission:

Women's Health and Genetics/Laboratory Corporation of America, LabCorp
Classification: Uncertain significance. Last evaluated: 2023-12-01. Review status: criteria provided, single submitter. Criteria: LabCorp Variant Classification Summary - May 2015. Collection method: clinical testing. Allele origin: germline.
Comment: Variant summary: CPLANE1 c.3908T>C (p.Val1303Ala) results in a non-conservative amino acid change in the encoded protein sequence. Three of four in-silico tools predict a benign effect of the variant on protein function. The variant allele was found at a frequency of 1.6e-06 in 627884 control chromosomes. The available data on variant occurrences in the general population are insufficient to allow any conclusion about variant significance. To our knowledge, no occurrence of c.3908T>C in individuals affected with Joubert Syndrome And Related Disorders and no experimental evidence demonstrating its impact on protein function have been reported. No submitters have cited clinical-significance assessments for this variant to ClinVar after 2014. Based on the evidence outlined above, the variant was classified as uncertain significance.